The following is an entry in ClinVar:

ClinVar aggregate classification (germline): Benign/Likely benign. Review status: criteria provided, multiple submitters, no conflicts (2 of 4 stars). 2 submissions from 2 submitters: Benign (1); Likely benign (1). Last evaluated 2023-01-01.

Allele frequency attached by ClinVar (database versions not stated): 1000 Genomes Project 0.00260; 1000 Genomes Project 30x 0.00265; ExAC 0.00563; gnomAD exomes 0.00584 and 0.00968; gnomAD 0.00634 and 0.00650; TOPMed 0.00698; ESP Exome Variant Server 0.00862.
gnomAD v4.1: 15,118 of 1,614,182 alleles (0.94%); highest among the groups gnomAD compares: Non-Finnish European, 1.1%; 85 homozygotes.

Submissions (2):

CeGaT Center for Human Genetics Tuebingen
Classification: Likely benign. Last evaluated: 2023-01-01. Review status: criteria provided, single submitter. Criteria: CeGaT Center For Human Genetics Tuebingen Variant Classification Criteria Version 2. Collection method: clinical testing. Allele origin: germline. Affected: yes. Observed: 3 variant alleles.
Comment: ADCY9: BP4, BP7, BS2

Labcorp Genetics (formerly Invitae), Labcorp
Classification: Benign. Last evaluated: 2019-12-31. Review status: criteria provided, single submitter. Criteria: Invitae Variant Classification Sherloc (09022015). Collection method: clinical testing. Allele origin: germline.

NM_001116.4(ADCY9):c.2994C>T (p.Arg998=)

Gene: ADCY9 (adenylate cyclase 9; minus strand). Cytogenetic location: 16p13.3.
Variant type: single nucleotide variant.
Coding change: c.2994C>T on transcript NM_001116.4 (MANE Select); coding-DNA position 2994, C replaced by T.
Protein change: p.Arg998=; no amino-acid change (arginine 998 retained).
Molecular consequence: synonymous variant.
Genome position (GRCh38, 1-based): chr16:3,966,843, G>A on the plus strand (C>T on the coding strand, the complement: ADCY9 is on the minus strand). VCF-style: chr16-3966843-G-A. GRCh37 (hg19) VCF-style: chr16-4016844-G-A.
Identifiers: ClinVar variation 769893 (VCV000769893.28), dbSNP rs143722912, ClinGen allele CA7871064.